The following is an entry in ClinVar:

ClinVar aggregate classification (germline): Uncertain significance (1 of 4 stars; one submission).

Submission:

Dasa
Classification: Uncertain significance. Last evaluated: 2025-10-14. Review status: criteria provided, single submitter. Criteria: DASA Assertion Criteria. Collection method: clinical testing. Allele origin: germline.
Comment: NM_000083.3(CLCN1):c.1538A>C (p.Asp513Ala) is a missense variant that results in the substitution of aspartic acid with alanine. This variant is absent from population databases. The currently available literature and clinical evidence are not sufficient to establish a definitive association between this variant and the reported condition. Therefore, this variant is classified as a variant of uncertain significance.

NM_000083.3(CLCN1):c.1538A>C (p.Asp513Ala)

Gene: CLCN1 (chloride voltage-gated channel 1; plus strand). Cytogenetic location: 7q34.
Variant type: single nucleotide variant.
Coding change: c.1538A>C on transcript NM_000083.3 (MANE Select); coding-DNA position 1538, A replaced by C.
Protein change: p.Asp513Ala; replaces aspartic acid 513 with alanine.
Molecular consequence: missense variant. On other transcripts: non-coding transcript variant (1).
Genome position (GRCh38, 1-based): chr7:143,339,577, A>C. VCF-style: chr7-143339577-A-C. GRCh37 (hg19) VCF-style: chr7-143036670-A-C.
Other names: short protein forms D513A.
Identifiers: ClinVar variation 4885019 (VCV004885019.2).